The following is an entry in ClinVar:

NM_014363.6(SACS):c.6751C>A (p.Gln2251Lys)

Gene: SACS (sacsin molecular chaperone; minus strand). Cytogenetic location: 13q12.12.
Variant type: single nucleotide variant.
Coding change: c.6751C>A on transcript NM_014363.6 (MANE Select); coding-DNA position 6751, C replaced by A.
Protein change: p.Gln2251Lys; replaces glutamine 2251 with lysine.
Molecular consequence: missense variant.
Genome position (GRCh38, 1-based): chr13:23,337,125, G>T on the plus strand (C>A on the coding strand, the complement: SACS is on the minus strand). VCF-style: chr13-23337125-G-T. GRCh37 (hg19) VCF-style: chr13-23911264-G-T.
Other names: c.6310C>A, p.Gln2104Lys (NM_001278055.2); short protein forms Q2104K, Q2251K.
Identifiers: ClinVar variation 1256218 (VCV001256218.5), dbSNP rs747293426, ClinGen allele CA387520816.
Genomic context (GRCh38, chr13:23,337,125, plus strand): 5'-AACCTCTAAAAGAATGGGAATTTTCATTTAGAATTGGTTGCAAAAGACAAACTATATCTT[G>T]ATGTTCAGCTGTATAAAGGTCAGTTGCTGCAAACATGGTTTCAGGCTTAAAACTGTTGCC-3'
Protein context (NP_055178.3, residues 2241-2261): AATDLYTAEH[Gln2251Lys]DIVCLLQPIL

ClinVar aggregate classification (germline): Uncertain significance. Review status: criteria provided, multiple submitters, no conflicts (2 of 4 stars). 2 submissions from 2 submitters: Uncertain significance (2). Last evaluated 2022-11-01.

Conditions:
Spastic paraplegia. Identifiers: MedGen C0037772, HP:0001258.

gnomAD v4.1: 12 of 1,613,960 alleles (0.00074%); highest among the groups gnomAD compares: East Asian, 0.027%; no homozygotes.

Submissions (2):

Labcorp Genetics (formerly Invitae), Labcorp
Classification: Uncertain significance for Spastic paraplegia. Last evaluated: 2022-11-01. Review status: criteria provided, single submitter. Criteria: Invitae Variant Classification Sherloc (09022015). Collection method: clinical testing. Allele origin: germline.
Comment: In summary, the available evidence is currently insufficient to determine the role of this variant in disease. Therefore, it has been classified as a Variant of Uncertain Significance. Advanced modeling of protein sequence and biophysical properties (such as structural, functional, and spatial information, amino acid conservation, physicochemical variation, residue mobility, and thermodynamic stability) performed at Invitae indicates that this missense variant is not expected to disrupt SACS protein function. ClinVar contains an entry for this variant (Variation ID: 1256218). This variant has not been reported in the literature in individuals affected with SACS-related conditions. This variant is not present in population databases (gnomAD no frequency). This sequence change replaces glutamine, which is neutral and polar, with lysine, which is basic and polar, at codon 2251 of the SACS protein (p.Gln2251Lys).

Athena Diagnostics
Classification: Uncertain significance. Last evaluated: 2021-06-07. Review status: criteria provided, single submitter. Criteria: Athena Diagnostics Criteria. Collection method: clinical testing. Allele origin: unknown.

Literature cited by the submitters: PubMed 29321516 (cited by Athena Diagnostics).